The following is an entry in ClinVar:

NM_001378743.1(CYLD):c.1853A>T (p.Asp618Val)

Genes: CYLD (CYLD lysine 63 deubiquitinase; plus strand), CYLD-AS2 (CYLD antisense RNA 2; minus strand). Cytogenetic location: 16q12.1.
Variant type: single nucleotide variant.
Coding change: c.1853A>T on transcript NM_001378743.1 (MANE Select); coding-DNA position 1853, A replaced by T.
Protein change: p.Asp618Val; replaces aspartic acid 618 with valine.
Molecular consequence: missense variant. On other transcripts: non-coding transcript variant (1).
Genome position (GRCh38, 1-based): chr16:50,784,355, A>T. VCF-style: chr16-50784355-A-T. GRCh37 (hg19) VCF-style: chr16-50818266-A-T.
Other names: c.1844A>T, p.Asp615Val (NM_001042355.2, NM_001042412.3, NM_001378744.1 and 6 more transcripts); c.1814A>T, p.Asp605Val (NM_001378751.1, NM_001378752.1, NM_001378753.1); c.1178A>T, p.Asp393Val (NM_001378754.1, NM_001378755.1); c.1853A>T, p.Asp618Val (NM_015247.3); short protein forms D393V, D605V, D615V, D618V.
Identifiers: ClinVar variation 1315913 (VCV001315913.2), dbSNP rs2151006616, ClinGen allele CA395876591.

ClinVar aggregate classification (germline): Uncertain significance (1 of 4 stars; one submission).

Submission:

GeneDx
Classification: Uncertain significance. Last evaluated: 2019-11-17. Review status: criteria provided, single submitter. Criteria: GeneDx Variant Classification Process June 2021. Collection method: clinical testing. Allele origin: germline. Affected: yes.
Comment: Not observed in large population cohorts (Lek et al., 2016); In silico analysis, which includes protein predictors and evolutionary conservation, supports a deleterious effect; Has not been previously published as pathogenic or benign to our knowledge